The following is an entry in ClinVar:

ClinVar aggregate classification (germline): Pathogenic/Likely pathogenic. Review status: criteria provided, multiple submitters, no conflicts (2 of 4 stars). 3 submissions from 3 submitters: Pathogenic (2); Likely pathogenic (1). Last evaluated 2025-03-18.

Conditions:
Primary ciliary dyskinesia 7. Also called: CILIARY DYSKINESIA, PRIMARY, 7, WITH OR WITHOUT SITUS INVERSUS. Identifiers: Orphanet 244, MedGen C2678473, MONDO:0012748, OMIM 611884.
Primary ciliary dyskinesia. Also called: Ciliary dyskinesia. Identifiers: Orphanet 244, MedGen C0008780, MONDO:0016575, HP:0012265.

Allele frequency attached by ClinVar (database versions not stated): ESP Exome Variant Server 0.00008; ExAC 0.00001; gnomAD 0.00001; gnomAD exomes 0.00001; TOPMed 0.00001.
gnomAD v4.1: 19 of 1,612,462 alleles (0.0012%); highest among the groups gnomAD compares: Non-Finnish European, 0.0015%; no homozygotes.

Submissions (3):

Labcorp Genetics (formerly Invitae), Labcorp
Classification: Pathogenic for Primary ciliary dyskinesia. Last evaluated: 2025-03-18. Review status: criteria provided, single submitter. Criteria: Invitae Variant Classification Sherloc (09022015). Collection method: clinical testing. Allele origin: germline.
Comment: This sequence change creates a premature translational stop signal (p.Arg2002*) in the DNAH11 gene. It is expected to result in an absent or disrupted protein product. Loss-of-function variants in DNAH11 are known to be pathogenic (PMID: 18022865, 20513915, 22184204). This variant is present in population databases (rs373844629, gnomAD 0.002%). This variant has not been reported in the literature in individuals affected with DNAH11-related conditions. ClinVar contains an entry for this variant (Variation ID: 454691). For these reasons, this variant has been classified as Pathogenic.

Fulgent Genetics
Classification: Pathogenic for Primary ciliary dyskinesia 7. Last evaluated: 2018-10-31. Review status: criteria provided, single submitter. Criteria: ACMG Guidelines, 2015. Collection method: clinical testing. Allele origin: unknown.

Juno Genomics, Hangzhou Juno Genomics, Inc
Classification: Likely pathogenic for Primary ciliary dyskinesia 7. Review status: criteria provided, single submitter. Criteria: ACMG Guidelines, 2015. Collection method: clinical testing. Allele origin: germline. Affected: yes.
Comment: Absent from controls (or at extremely low frequency if recessive) in Genome Aggregation Database, Exome Sequencing Project, 1000 Genomes Project, or Exome Aggregation Consortium.;Null variant in a gene where loss of function (LOF) is a known mechanism of disease.

Literature cited by the submitters: PubMed 18022865 (cited by Labcorp Genetics (formerly Invitae), Labcorp); PubMed 20513915 (cited by Labcorp Genetics (formerly Invitae), Labcorp); PubMed 22184204 (cited by Labcorp Genetics (formerly Invitae), Labcorp).

NM_001277115.2(DNAH11):c.6004C>T (p.Arg2002Ter)

Gene: DNAH11 (dynein axonemal heavy chain 11; plus strand). Cytogenetic location: 7p15.3.
Variant type: single nucleotide variant.
Coding change: c.6004C>T on transcript NM_001277115.2 (MANE Select); coding-DNA position 6004, C replaced by T.
Protein change: p.Arg2002Ter; replaces arginine 2002 with a stop codon.
Molecular consequence: nonsense.
Genome position (GRCh38, 1-based): chr7:21,690,844, C>T. VCF-style: chr7-21690844-C-T. GRCh37 (hg19) VCF-style: chr7-21730462-C-T.
Other names: short protein forms R2002*.
Identifiers: ClinVar variation 454691 (VCV000454691.10), dbSNP rs373844629, ClinGen allele CA4180633.